The following is an entry in ClinVar:

NM_003072.5(SMARCA4):c.4735G>A (p.Glu1579Lys)

Gene: SMARCA4 (SWI/SNF related BAF chromatin remodeling complex subunit ATPase 4; plus strand). Cytogenetic location: 19p13.2.
Variant type: single nucleotide variant.
Coding change: c.4735G>A on transcript NM_003072.5 (MANE Select); coding-DNA position 4735, G replaced by A.
Protein change: p.Glu1579Lys; replaces glutamic acid 1579 with lysine.
Molecular consequence: missense variant. On other transcripts: non-coding transcript variant (1).
Genome position (GRCh38, 1-based): chr19:11,059,852, G>A. VCF-style: chr19-11059852-G-A. GRCh37 (hg19) VCF-style: chr19-11170528-G-A.
Other names: c.4735G>A, p.Glu1579Lys (NM_001128844.3); c.4645G>A, p.Glu1549Lys (NM_001128845.2); c.4642G>A, p.Glu1548Lys (NM_001128846.2); c.4636G>A, p.Glu1546Lys (NM_001128847.4, NM_001374457.1); c.4633G>A, p.Glu1545Lys (NM_001128848.2); c.4831G>A, p.Glu1611Lys (NM_001128849.3, NM_001387283.1); short protein forms E1611K, E1548K, E1545K, E1546K, E1549K, E1579K.
Identifiers: ClinVar variation 576996 (VCV000576996.8), dbSNP rs1568564823, ClinGen allele CA404079685.
Genomic context (GRCh38, chr19:11,059,852, plus strand): 5'-AGCGTGCGGCAGAAAATCGAGAAGGAGGATGACAGTGAAGGCGAGGAGAGTGAGGAGGAG[G>A]AAGAGGGCGAGGAGGAAGGCTCCGAATCCGAATGTGAGTCCCGGGGGGGTTCAGGACGCC-3'
Protein context (NP_003063.2, residues 1569-1589): DSEGEESEEE[Glu1579Lys]EGEEEGSESE

ClinVar aggregate classification (germline): Uncertain significance (1 of 4 stars; one submission).

Conditions:
Rhabdoid tumor predisposition syndrome 2 (RTPS2). Identifiers: Orphanet 231108, Orphanet 69077, MedGen C2750074, MONDO:0013224, OMIM 613325.

Submission:

Labcorp Genetics (formerly Invitae), Labcorp
Classification: Uncertain significance for Rhabdoid tumor predisposition syndrome 2. Last evaluated: 2018-01-20. Review status: criteria provided, single submitter. Criteria: Invitae Variant Classification Sherloc (09022015). Collection method: clinical testing. Allele origin: germline.
Comment: In summary, the available evidence is currently insufficient to determine the role of this variant in disease. Therefore, it has been classified as a Variant of Uncertain Significance. Algorithms developed to predict the effect of missense changes on protein structure and function (SIFT, PolyPhen-2, Align-GVGD) all suggest that this variant is likely to be tolerated, but these predictions have not been confirmed by published functional studies and their clinical significance is uncertain. This variant has not been reported in the literature in individuals with SMARCA4-related disease. This variant is not present in population databases (ExAC no frequency). This sequence change replaces glutamic acid with lysine at codon 1611 of the SMARCA4 protein (p.Glu1611Lys). The glutamic acid residue is moderately conserved and there is a small physicochemical difference between glutamic acid and lysine.